The following is an entry in ClinVar:

NM_001042492.3(NF1):c.7837C>A (p.Pro2613Thr)

Gene: NF1 (neurofibromin 1; plus strand). Cytogenetic location: 17q11.2.
Variant type: single nucleotide variant.
Coding change: c.7837C>A on transcript NM_001042492.3 (MANE Select); coding-DNA position 7837, C replaced by A.
Protein change: p.Pro2613Thr; replaces proline 2613 with threonine.
Molecular consequence: missense variant.
Genome position (GRCh38, 1-based): chr17:31,357,058, C>A. VCF-style: chr17-31357058-C-A. GRCh37 (hg19) VCF-style: chr17-29684076-C-A.
Other names: c.7774C>A, p.Pro2592Thr (NM_000267.4); short protein forms P2592T, P2613T.
Identifiers: ClinVar variation 827250 (VCV000827250.9), dbSNP rs138839077, ClinGen allele CA399018623.

ClinVar aggregate classification (germline): Uncertain significance. Review status: criteria provided, multiple submitters, no conflicts (2 of 4 stars). 2 submissions from 2 submitters: Uncertain significance (2). Last evaluated 2025-09-14.

Conditions:
Hereditary cancer-predisposing syndrome. Also called: Neoplastic Syndromes, Hereditary; Hereditary Cancer Syndrome; Hereditary neoplastic syndrome; Tumor predisposition. Identifiers: Orphanet 140162, MedGen C0027672, MeSH D009386, MONDO:0015356.
Cardiovascular phenotype. Identifiers: MedGen CN230736.
Neurofibromatosis, type 1 (NF1). Also called: Neurofibromatosis, type I; Peripheral type neurofibromatosis; VON RECKLINGHAUSEN DISEASE; NEUROFIBROMATOSIS, TYPE I, SOMATIC. Identifiers: Orphanet 636, MedGen C0027831, MONDO:0018975, OMIM 162200. Disease mechanism: loss of function.

Submissions (2):

Labcorp Genetics (formerly Invitae), Labcorp
Classification: Uncertain significance for Neurofibromatosis, type 1. Last evaluated: 2025-09-14. Review status: criteria provided, single submitter. Criteria: Invitae Variant Classification Sherloc (09022015). Collection method: clinical testing. Allele origin: germline.
Comment: This sequence change replaces proline, which is neutral and non-polar, with threonine, which is neutral and polar, at codon 2592 of the NF1 protein (p.Pro2592Thr). This variant is not present in population databases (gnomAD no frequency). This variant has not been reported in the literature in individuals affected with NF1-related conditions. ClinVar contains an entry for this variant (Variation ID: 827250). Invitae Evidence Modeling of protein sequence and biophysical properties (such as structural, functional, and spatial information, amino acid conservation, physicochemical variation, residue mobility, and thermodynamic stability) has been performed for this missense variant. However, the output from this modeling did not meet the statistical confidence thresholds required to predict the impact of this variant on NF1 protein function. In summary, the available evidence is currently insufficient to determine the role of this variant in disease. Therefore, it has been classified as a Variant of Uncertain Significance.

Ambry Genetics
Classification: Uncertain significance for Cardiovascular phenotype; Hereditary cancer-predisposing syndrome. Last evaluated: 2019-03-14. Review status: criteria provided, single submitter. Criteria: Ambry Variant Classification Scheme 2023. Collection method: clinical testing. Allele origin: germline.
Comment: The p.P2592T variant (also known as c.7774C>A), located in coding exon 52 of the NF1 gene, results from a C to A substitution at nucleotide position 7774. The proline at codon 2592 is replaced by threonine, an amino acid with highly similar properties. This amino acid position is highly conserved in available vertebrate species. In addition, the in silico prediction for this alteration is inconclusive. Since supporting evidence is limited at this time, the clinical significance of this alteration remains unclear.